The following is an entry in ClinVar:

NM_004415.4(DSP):c.3571G>T (p.Glu1191Ter)

Gene: DSP (desmoplakin; plus strand). Cytogenetic location: 6p24.3.
Variant type: single nucleotide variant.
Coding change: c.3571G>T on transcript NM_004415.4 (MANE Select); coding-DNA position 3571, G replaced by T.
Protein change: p.Glu1191Ter; replaces glutamic acid 1191 with a stop codon.
Molecular consequence: nonsense.
Genome position (GRCh38, 1-based): chr6:7,579,761, G>T. VCF-style: chr6-7579761-G-T. GRCh37 (hg19) VCF-style: chr6-7579994-G-T.
Other names: c.3571G>T, p.Glu1191Ter (NM_001008844.3, NM_001319034.2); short protein forms E1191*.
Identifiers: ClinVar variation 952426 (VCV000952426.9), dbSNP rs1759359916, ClinGen allele CA362684366.

ClinVar aggregate classification (germline): Pathogenic/Likely pathogenic. Review status: criteria provided, multiple submitters, no conflicts (2 of 4 stars). 2 submissions from 2 submitters: Pathogenic (1); Likely pathogenic (1). Last evaluated 2025-12-21.

Conditions:
Cardiomyopathy (CMYO). Also called: Cardiomyopathies. Identifiers: Orphanet 167848, MedGen C0878544, MONDO:0004994, HP:0001638. Inheritance: Various modes of inheritance.
Arrhythmogenic cardiomyopathy with wooly hair and keratoderma. Also called: Carvajal syndrome; PALMOPLANTAR KERATODERMA WITH LEFT VENTRICULAR CARDIOMYOPATHY AND WOOLLY HAIR; Dilated cardiomyopathy with woolly hair and keratoderma; Arrhythmogenic cardiomyopathy with woolly hair and keratoderma. Identifiers: Orphanet 65282, MedGen C1854063, MONDO:0011581, OMIM 605676.
Arrhythmogenic right ventricular dysplasia 8 (ARVD8). Also called: ARRHYTHMOGENIC RIGHT VENTRICULAR DYSPLASIA, FAMILIAL, 8; ARRHYTHMOGENIC RIGHT VENTRICULAR CARDIOMYOPATHY 8; Arrhythmogenic Right Ventricular Dysplasia/Cardiomyopathy 8. Identifiers: MedGen C1843896, MONDO:0011831, OMIM 607450.

Submissions (2):

Labcorp Genetics (formerly Invitae), Labcorp
Classification: Pathogenic for Arrhythmogenic cardiomyopathy with wooly hair and keratoderma; Arrhythmogenic right ventricular dysplasia 8. Last evaluated: 2025-12-21. Review status: criteria provided, single submitter. Criteria: Invitae Variant Classification Sherloc (09022015). Collection method: clinical testing. Allele origin: germline.
Comment: This sequence change creates a premature translational stop signal (p.Glu1191*) in the DSP gene. It is expected to result in an absent or disrupted protein product. Loss-of-function variants in DSP are known to be pathogenic (PMID: 20716751, 24503780, 25227139, 30398466). This variant is not present in population databases (gnomAD no frequency). This variant has not been reported in the literature in individuals affected with DSP-related conditions. ClinVar contains an entry for this variant (Variation ID: 952426). For these reasons, this variant has been classified as Pathogenic.

CHEO Genetics Diagnostic Laboratory, Children's Hospital of Eastern Ontario
Classification: Likely pathogenic for Cardiomyopathy. Last evaluated: 2022-07-07. Review status: criteria provided, single submitter. Criteria: ACMG Guidelines, 2015. Collection method: clinical testing. Allele origin: germline.

Literature cited by the submitters: PubMed 20716751 (cited by Labcorp Genetics (formerly Invitae), Labcorp); PubMed 24503780 (cited by Labcorp Genetics (formerly Invitae), Labcorp); PubMed 25227139 (cited by Labcorp Genetics (formerly Invitae), Labcorp); PubMed 30398466 (cited by Labcorp Genetics (formerly Invitae), Labcorp).